The following is an entry in ClinVar:

NM_014285.7(EXOSC2):c.318G>A (p.Ser106=)

Gene: EXOSC2 (exosome component 2; plus strand). Cytogenetic location: 9q34.12.
Variant type: single nucleotide variant.
Coding change: c.318G>A on transcript NM_014285.7 (MANE Select); coding-DNA position 318, G replaced by A.
Protein change: p.Ser106=; no amino-acid change (serine 106 retained).
Molecular consequence: synonymous variant. On other transcripts: non-coding transcript variant (1), intron variant (1).
Genome position (GRCh38, 1-based): chr9:130,698,209, G>A. VCF-style: chr9-130698209-G-A. GRCh37 (hg19) VCF-style: chr9-133573596-G-A.
Other names: c.318G>A, p.Ser106= (NM_001282708.1); c.270+582G>A (NM_001282709.1); c.318G>A (NM_014285.6).
Identifiers: ClinVar variation 1143219 (VCV001143219.38), dbSNP rs138555762, ClinGen allele CA5284820.

ClinVar aggregate classification (germline): Benign/Likely benign. Review status: criteria provided, multiple submitters, no conflicts (2 of 4 stars). 7 submissions from 7 submitters: Benign (1); Likely benign (3). 3 of the submissions do not count toward it. Last evaluated 2026-01-20.

Conditions:
EXOSC2-related disorder. Also called: EXOSC2-related condition.

Allele frequency attached by ClinVar (database versions not stated): ExAC 0.00059; ESP Exome Variant Server 0.00062; gnomAD exomes 0.00064 and 0.00133; gnomAD 0.00091 and 0.00124; TOPMed 0.00135.
gnomAD v4.1: 2,086 of 1,614,142 alleles (0.13%); highest among the groups gnomAD compares: Non-Finnish European, 0.17%; 1 homozygote.

Submissions (7):

Labcorp Genetics (formerly Invitae), Labcorp
Classification: Likely benign. Last evaluated: 2026-01-20. Review status: criteria provided, single submitter. Criteria: Invitae Variant Classification Sherloc (09022015). Collection method: clinical testing. Allele origin: germline.

CeGaT Center for Human Genetics Tuebingen
Classification: Likely benign. Last evaluated: 2026-01-01. Review status: criteria provided, single submitter. Criteria: CeGaT Center For Human Genetics Tuebingen Variant Classification Criteria Version 2. Collection method: clinical testing. Allele origin: germline. Affected: yes. Observed: 2 variant alleles.
Comment: EXOSC2: BP4, BP7

Blueprint Genetics
Classification: Benign. Last evaluated: 2024-10-08. Review status: criteria provided, single submitter. Criteria: ACMG Guidelines, 2015. Collection method: clinical testing. Allele origin: germline.

Breakthrough Genomics
Classification: Likely benign. Review status: criteria provided, single submitter. Criteria: ACMG Guidelines, 2015. Collection method: not provided. Allele origin: germline. Inheritance: Autosomal recessive inheritance. Affected: yes.

PreventionGenetics, part of Exact Sciences
Classification: Likely benign for EXOSC2-related condition. Last evaluated: 2024-06-11. Review status: no assertion criteria provided. Collection method: clinical testing. Allele origin: germline. Not counted in ClinVar's aggregate classification.
Comment: This variant is classified as likely benign based on ACMG/AMP sequence variant interpretation guidelines (Richards et al. 2015 PMID: 25741868, with internal and published modifications).

Clinical Genetics DNA and cytogenetics Diagnostics Lab, Erasmus MC, Erasmus Medical Center
Classification: Likely benign. Review status: no assertion criteria provided. Collection method: clinical testing. Allele origin: germline. Affected: yes. Study: VKGL Data-share Consensus. Not counted in ClinVar's aggregate classification.

Clinical Genetics, Academic Medical Center
Classification: Benign. Review status: no assertion criteria provided. Collection method: clinical testing. Allele origin: germline. Affected: yes. Study: VKGL Data-share Consensus. Not counted in ClinVar's aggregate classification.